The following is an entry in ClinVar:

NM_003513.3(H2AC4):c.189C>T (p.Ile63=)

Gene: H2AC4 (H2A clustered histone 4; minus strand). Cytogenetic location: 6p22.2.
Variant type: single nucleotide variant.
Coding change: c.189C>T on transcript NM_003513.3 (MANE Select); coding-DNA position 189, C replaced by T.
Protein change: p.Ile63=; no amino-acid change (isoleucine 63 retained).
Molecular consequence: synonymous variant.
Genome position (GRCh38, 1-based): chr6:26,033,380, G>A on the plus strand (C>T on the coding strand, the complement: H2AC4 is on the minus strand). VCF-style: chr6-26033380-G-A. GRCh37 (hg19) VCF-style: chr6-26033608-G-A.
Identifiers: ClinVar variation 2656293 (VCV002656293.24), dbSNP rs145481087, ClinGen allele CA449421128.

ClinVar aggregate classification (germline): Likely benign (1 of 4 stars; one submission).

gnomAD v4.1: 11 of 1,614,038 alleles (0.00068%); highest among the groups gnomAD compares: Non-Finnish European, 0.00076%; no homozygotes.

Submission:

CeGaT Center for Human Genetics Tuebingen
Classification: Likely benign. Last evaluated: 2022-10-01. Review status: criteria provided, single submitter. Criteria: CeGaT Center For Human Genetics Tuebingen Variant Classification Criteria Version 2. Collection method: clinical testing. Allele origin: germline. Affected: yes. Observed: 1 variant allele.
Comment: H2AC4: PM2:Supporting, BP4, BP7